The following is an entry in ClinVar:

NM_024408.4(NOTCH2):c.3997T>C (p.Cys1333Arg)

Gene: NOTCH2 (notch receptor 2; minus strand). Cytogenetic location: 1p12.
Variant type: single nucleotide variant.
Coding change: c.3997T>C on transcript NM_024408.4 (MANE Select); coding-DNA position 3997, T replaced by C.
Protein change: p.Cys1333Arg; replaces cysteine 1333 with arginine.
Molecular consequence: missense variant.
Genome position (GRCh38, 1-based): chr1:119,926,507, A>G on the plus strand (T>C on the coding strand, the complement: NOTCH2 is on the minus strand). VCF-style: chr1-119926507-A-G. GRCh37 (hg19) VCF-style: chr1-120469130-A-G.
Other names: short protein forms C1333R.
Identifiers: ClinVar variation 2003309 (VCV002003309.4), dbSNP rs2526152526, ClinGen allele CA341891608.

ClinVar aggregate classification (germline): Uncertain significance (1 of 4 stars; one submission).

Conditions:
Hajdu-Cheney syndrome (HJCYS). Also called: Acroosteolysis dominant type; SERPENTINE FIBULA-POLYCYSTIC KIDNEY SYNDROME; ACROOSTEOLYSIS WITH OSTEOPOROSIS AND CHANGES IN SKULL AND MANDIBLE. Identifiers: Orphanet 955, MedGen C0917715, MONDO:0007057, OMIM 102500.

Allele frequency attached by ClinVar (database versions not stated): gnomAD exomes below 0.00001.
gnomAD v4.1: 1 of 1,601,018 alleles (0.000062%); highest among the groups gnomAD compares: Non-Finnish European, 0.000085%; no homozygotes.

Submission:

Labcorp Genetics (formerly Invitae), Labcorp
Classification: Uncertain significance for Hajdu-Cheney syndrome. Last evaluated: 2022-06-08. Review status: criteria provided, single submitter. Criteria: Invitae Variant Classification Sherloc (09022015). Collection method: clinical testing. Allele origin: germline.
Comment: In summary, the available evidence is currently insufficient to determine the role of this variant in disease. Therefore, it has been classified as a Variant of Uncertain Significance. This sequence change replaces cysteine, which is neutral and slightly polar, with arginine, which is basic and polar, at codon 1333 of the NOTCH2 protein (p.Cys1333Arg). This variant is not present in population databases (gnomAD no frequency). This variant has not been reported in the literature in individuals affected with NOTCH2-related conditions. Advanced modeling of protein sequence and biophysical properties (such as structural, functional, and spatial information, amino acid conservation, physicochemical variation, residue mobility, and thermodynamic stability) performed at Invitae indicates that this missense variant is expected to disrupt NOTCH2 protein function.